The following is an entry in ClinVar:

ClinVar aggregate classification (germline): Uncertain significance (1 of 4 stars; one submission).

Conditions:
Niemann-Pick disease, type C1. Also called: NIEMANN-PICK DISEASE, VARIANT TYPE C1; NEUROVISCERAL STORAGE DISEASE WITH VERTICAL SUPRANUCLEAR OPHTHALMOPLEGIA; NIEMANN-PICK DISEASE WITH CHOLESTEROL ESTERIFICATION BLOCK; NIEMANN-PICK DISEASE WITHOUT SPHINGOMYELINASE DEFICIENCY; NIEMANN-PICK DISEASE, CHRONIC NEURONOPATHIC FORM. Identifiers: Orphanet 646, MedGen C3179455, MONDO:0009757, OMIM 257220.

Allele frequency attached by ClinVar (database versions not stated): gnomAD exomes below 0.00001.
gnomAD v4.1: 1 of 1,614,232 alleles (0.000062%); highest among the groups gnomAD compares: Non-Finnish European, 0.000085%; no homozygotes.

Submission:

Labcorp Genetics (formerly Invitae), Labcorp
Classification: Uncertain significance for Niemann-Pick disease, type C1. Last evaluated: 2021-12-16. Review status: criteria provided, single submitter. Criteria: Invitae Variant Classification Sherloc (09022015). Collection method: clinical testing. Allele origin: germline.
Comment: This sequence change replaces glutamine, which is neutral and polar, with arginine, which is basic and polar, at codon 811 of the NPC1 protein (p.Gln811Arg). In summary, the available evidence is currently insufficient to determine the role of this variant in disease. Therefore, it has been classified as a Variant of Uncertain Significance. Advanced modeling of protein sequence and biophysical properties (such as structural, functional, and spatial information, amino acid conservation, physicochemical variation, residue mobility, and thermodynamic stability) performed at Invitae indicates that this missense variant is not expected to disrupt NPC1 protein function. This variant has not been reported in the literature in individuals affected with NPC1-related conditions. This variant is not present in population databases (gnomAD no frequency).

NM_000271.5(NPC1):c.2432A>G (p.Gln811Arg)

Gene: NPC1 (NPC intracellular cholesterol transporter 1; minus strand). Cytogenetic location: 18q11.2.
Variant type: single nucleotide variant.
Coding change: c.2432A>G on transcript NM_000271.5 (MANE Select); coding-DNA position 2432, A replaced by G.
Protein change: p.Gln811Arg; replaces glutamine 811 with arginine.
Molecular consequence: missense variant.
Genome position (GRCh38, 1-based): chr18:23,541,150, T>C on the plus strand (A>G on the coding strand, the complement: NPC1 is on the minus strand). VCF-style: chr18-23541150-T-C. GRCh37 (hg19) VCF-style: chr18-21121114-T-C.
Other names: short protein forms Q811R.
Identifiers: ClinVar variation 1376515 (VCV001376515.4), dbSNP rs2145381038, ClinGen allele CA401793441.
Genomic context (GRCh38, chr18:23,541,150, plus strand): 5'-TTTAGCAGAAGTGGAGAATAGGAGTTTTTGAAGAAGCGAAACAAACAGCTCTCTGAGGCC[T>C]GGACGCTTGTTCCATCTTCAGCACCTCTGACACAGCAAAAGATGTCTAGCCGATTTTTCT-3'
Protein context (NP_000262.2, residues 801-821): VRGAEDGTSV[Gln811Arg]ASESCLFRFF